The following is an entry in ClinVar:

NM_004168.4(SDHA):c.777C>T (p.Tyr259=)

Gene: SDHA (succinate dehydrogenase complex flavoprotein subunit A; plus strand). Cytogenetic location: 5p15.33.
Variant type: single nucleotide variant.
Coding change: c.777C>T on transcript NM_004168.4 (MANE Select); coding-DNA position 777, C replaced by T.
Protein change: p.Tyr259=; no amino-acid change (tyrosine 259 retained).
Molecular consequence: synonymous variant.
Genome position (GRCh38, 1-based): chr5:230,882, C>T. VCF-style: chr5-230882-C-T. GRCh37 (hg19) VCF-style: chr5-230997-C-T.
Other names: c.633C>T, p.Tyr211= (NM_001294332.2); c.777C>T, p.Tyr259= (NM_001330758.2).
Identifiers: ClinVar variation 239683 (VCV000239683.45), dbSNP rs140243793, ClinGen allele CA3172993.
Genomic context (GRCh38, chr5:230,882, plus strand): 5'-AGGAGGTCCAGATGTGGGCCGCTGTGTGCAGTCACTGCTCTCTATTGTTTCCAGAGGCTA[C>T]GGGCGCACCTACTTCAGCTGCACGTCTGCCCACACCAGCACTGGCGACGGCACGGCCATG-3'
Protein context (NP_004159.2, residues 249-269): AKNTVVATGG[Tyr259=]GRTYFSCTSA

ClinVar aggregate classification (germline): Conflicting classifications of pathogenicity. Review status: criteria provided, conflicting classifications (1 of 4 stars). 9 submissions from 7 submitters: Uncertain significance (2); Benign (2); Likely benign (4). 1 of the submissions does not count toward it. Last evaluated 2026-01-30.

Conditions:
SDHA-related disorder. Also called: SDHA-related condition; SDHA-related disorders.
Pheochromocytoma/paraganglioma syndrome 5. Also called: Paragangliomas 5; SDHA-Related Hereditary Paraganglioma-Pheochromocytoma Syndrome. Identifiers: Orphanet 29072, MedGen C3279992, MONDO:0013602, OMIM 614165.
Mitochondrial complex II deficiency, nuclear type 1. Also called: SUCCINATE CoQ REDUCTASE DEFICIENCY. Identifiers: Orphanet 3208, MedGen C5700310, MONDO:0100294, OMIM 252011.
Hereditary cancer-predisposing syndrome. Also called: Tumor predisposition; Hereditary Cancer Syndrome; Neoplastic Syndromes, Hereditary; Hereditary neoplastic syndrome. Identifiers: Orphanet 140162, MedGen C0027672, MeSH D009386, MONDO:0015356.
Hereditary pheochromocytoma and paraganglioma. Also called: Hereditary Paraganglioma-Pheochromocytoma Syndromes; Hereditary paragangliomas and pheochromocytomas; Hereditary pheochromocytoma-paraganglioma. Identifiers: Orphanet 29072, MedGen C4274332, MONDO:0017366.
Leigh syndrome (NULS). Also called: Leigh's necrotizing encephalopathy; Leigh's disease; Leigh's syndrome; Subacute necrotizing encephalopathy; Necrotizing encephalopathy infantile subacute of Leigh; LEIGH SYNDROME, NUCLEAR. Identifiers: Orphanet 506, MedGen C2931891, MONDO:0009723, OMIM 256000.

Allele frequency attached by ClinVar (database versions not stated): gnomAD exomes 0.00010 and 0.00021; TOPMed 0.00012; gnomAD 0.00013 and 0.00014; ESP Exome Variant Server 0.00015.
gnomAD v4.1: 322 of 1,613,712 alleles (0.02%); highest among the groups gnomAD compares: Non-Finnish European, 0.025%; 1 homozygote.

Submissions (9):

Labcorp Genetics (formerly Invitae), Labcorp
Classification: Likely benign for Pheochromocytoma/paraganglioma syndrome 5; Mitochondrial complex II deficiency, nuclear type 1. Last evaluated: 2026-01-30. Review status: criteria provided, single submitter. Criteria: Invitae Variant Classification Sherloc (09022015). Collection method: clinical testing. Allele origin: germline.

Myriad Genetics, Inc.
Classification: Benign for Pheochromocytoma/paraganglioma syndrome 5. Last evaluated: 2025-03-03. Review status: criteria provided, single submitter. Criteria: Myriad Autosomal Dominant, Autosomal Recessive and X-Linked Classification Criteria (2023). Collection method: clinical testing. Allele origin: unknown.
Comment: This variant is considered benign. This variant is a silent/synonymous amino acid change and it is not expected to impact splicing.

CeGaT Center for Human Genetics Tuebingen
Classification: Likely benign. Last evaluated: 2023-02-01. Review status: criteria provided, single submitter. Criteria: CeGaT Center For Human Genetics Tuebingen Variant Classification Criteria Version 2. Collection method: clinical testing. Allele origin: germline. Affected: yes. Observed: 1 variant allele.
Comment: SDHA: BP4, BP7

Sema4
Classification: Likely benign for Hereditary cancer-predisposing syndrome. Last evaluated: 2021-11-22. Review status: criteria provided, single submitter. Criteria: Sema4 Curation Guidelines. Collection method: curation. Allele origin: germline.

Illumina Laboratory Services, Illumina
Classification: Uncertain significance for Leigh syndrome. Last evaluated: 2018-01-12. Review status: criteria provided, single submitter. Criteria: ICSL Variant Classification Criteria 13 December 2019. Collection method: clinical testing. Allele origin: germline.

Illumina Laboratory Services, Illumina
Classification: Benign for Hereditary Paraganglioma-Pheochromocytoma Syndromes. Last evaluated: 2018-01-12. Review status: criteria provided, single submitter. Criteria: ICSL Variant Classification Criteria 13 December 2019. Collection method: clinical testing. Allele origin: germline.
Comment: This variant was observed in the ICSL laboratory as part of a predisposition screen in an ostensibly healthy population. It had not been previously curated by ICSL or reported in the Human Gene Mutation Database (HGMD: prior to June 1st, 2018), and was therefore a candidate for classification through an automated scoring system. Utilizing variant allele frequency, disease prevalence and penetrance estimates, and inheritance mode, an automated score was calculated to assess if this variant is too frequent to cause the disease. Based on the score and internal cut-off values, a variant classified as benign is not then subjected to further curation. The score for this variant resulted in a classification of benign for this disease.

Illumina Laboratory Services, Illumina
Classification: Uncertain significance for Mitochondrial complex II deficiency, nuclear type 1. Last evaluated: 2018-01-12. Review status: criteria provided, single submitter. Criteria: ICSL Variant Classification Criteria 13 December 2019. Collection method: clinical testing. Allele origin: germline.

Ambry Genetics
Classification: Likely benign for Hereditary cancer-predisposing syndrome. Last evaluated: 2015-02-25. Review status: criteria provided, single submitter. Criteria: Ambry Variant Classification Scheme 2023. Collection method: clinical testing. Allele origin: germline.

PreventionGenetics, part of Exact Sciences
Classification: Likely benign for SDHA-related condition. Last evaluated: 2022-12-27. Review status: no assertion criteria provided. Collection method: clinical testing. Allele origin: germline. Not counted in ClinVar's aggregate classification.
Comment: This variant is classified as likely benign based on ACMG/AMP sequence variant interpretation guidelines (Richards et al. 2015 PMID: 25741868, with internal and published modifications).